The following is an entry in ClinVar:

ClinVar aggregate classification (germline): Pathogenic/Likely pathogenic. Review status: criteria provided, multiple submitters, no conflicts (2 of 4 stars). 2 submissions from 2 submitters: Pathogenic (1); Likely pathogenic (1). Last evaluated 2025-12-01.

Conditions:
MYO7A-related disorder. Also called: MYO7A-related disorders.

Submissions (2):

Labcorp Genetics (formerly Invitae), Labcorp
Classification: Pathogenic. Last evaluated: 2025-12-01. Review status: criteria provided, single submitter. Criteria: Invitae Variant Classification Sherloc (09022015). Collection method: clinical testing. Allele origin: germline.
Comment: This sequence change creates a premature translational stop signal (p.Pro1053Leufs*9) in the MYO7A gene. It is expected to result in an absent or disrupted protein product. Loss-of-function variants in MYO7A are known to be pathogenic (PMID: 8900236, 25404053). This variant is not present in population databases (gnomAD no frequency). This premature translational stop signal has been observed in individual(s) with deafness (PMID: 36597107). For these reasons, this variant has been classified as Pathogenic.

Blueprint Genetics
Classification: Likely pathogenic for MYO7A-related disorders. Last evaluated: 2022-01-06. Review status: criteria provided, single submitter. Criteria: ACMG Guidelines, 2015. Collection method: clinical testing. Allele origin: germline. Affected: yes. Observed: 1 variant allele.

Literature cited by the submitters: PubMed 8900236 (cited by Labcorp Genetics (formerly Invitae), Labcorp); PubMed 25404053 (cited by Labcorp Genetics (formerly Invitae), Labcorp); PubMed 36597107 (cited by Labcorp Genetics (formerly Invitae), Labcorp).

NM_000260.4(MYO7A):c.3158del (p.Pro1053fs)

Gene: MYO7A (myosin VIIA; plus strand). Cytogenetic location: 11q13.5.
Variant type: Deletion.
Coding change: c.3158del on transcript NM_000260.4 (MANE Select); coding-DNA position 3158, one base deleted (C; older notation c.3158delC).
Protein change: p.Pro1053fs; shifts the reading frame from proline 1053.
Molecular consequence: frameshift variant.
Genome position (GRCh38, 1-based): chr11:77,182,473, C deleted; the last of 3 consecutive C bases (chr11:77,182,471-77,182,473); deleting any one gives the same sequence. VCF-style (leftmost placement, unchanged base first): chr11-77182470-TC-T. GRCh37 (hg19) VCF-style: chr11-76893515-TC-T.
Other names: c.3158del, p.Pro1053fs (NM_001127180.2); c.3125del, p.Pro1042fs (NM_001369365.1); short protein forms P1042fs, P1053fs.
Identifiers: ClinVar variation 4710769 (VCV004710769.2).
Genomic context (GRCh38, chr11:77,182,470, plus strand): 5'-GCGCTCTGCCCCAGGCAGCCCTGGCGGTCTGGATCACCATCCTCCGCTTCATGGGGGACC[TC>T]CCTGAGCCCAAGTACCACACAGCCATGAGTGATGGCAGTGAGAAGATCCCTGTGATGACC-3'